The following is an entry in ClinVar:

NM_024753.5(TTC21B):c.1201C>A (p.His401Asn)

Gene: TTC21B (tetratricopeptide repeat domain 21B; minus strand). Cytogenetic location: 2q24.3.
Variant type: single nucleotide variant.
Coding change: c.1201C>A on transcript NM_024753.5 (MANE Select); coding-DNA position 1201, C replaced by A.
Protein change: p.His401Asn; replaces histidine 401 with asparagine.
Molecular consequence: missense variant.
Genome position (GRCh38, 1-based): chr2:165,929,320, G>T on the plus strand (C>A on the coding strand, the complement: TTC21B is on the minus strand). VCF-style: chr2-165929320-G-T. GRCh37 (hg19) VCF-style: chr2-166785830-G-T.
Other names: short protein forms H401N.
Identifiers: ClinVar variation 1390676 (VCV001390676.3), dbSNP rs768881808, ClinGen allele CA1942198.
Genomic context (GRCh38, chr2:165,929,320, plus strand): 5'-CATTTAACAAATTAATAACTTCTTCTTGTCGTTTATTTTTCTTCATGGCAAGAACTGCAT[G>T]TAAATAGATTAATTCCTAGAAAATAAGTAGTTTTCATAAATTATTCCATTTAGTTATAAA-3'
Protein context (NP_079029.3, residues 391-411): IGKSAELIYL[His401Asn]AVLAMKKNKR

ClinVar aggregate classification (germline): Uncertain significance (1 of 4 stars; one submission).

Conditions:
Nephronophthisis. Also called: Juvenile Nephronophthisis. Identifiers: Orphanet 655, MedGen C0687120, MONDO:0019005, HP:0000090.
Jeune thoracic dystrophy. Also called: Jeune syndrome; Infantile thoracic dystrophy; Thoracic pelvic phalangeal dystrophy; Jeune's syndrome; Chondroectodermal dysplasia-like syndrome; Short-rib thoracic dysplasia. Identifiers: Orphanet 474, MedGen C0265275, MONDO:0018770.

Allele frequency attached by ClinVar (database versions not stated): gnomAD exomes below 0.00001; ExAC 0.00001.
gnomAD v4.1: 8 of 1,606,050 alleles (0.0005%); highest among the groups gnomAD compares: Non-Finnish European, 0.00068%; no homozygotes.

Submission:

Labcorp Genetics (formerly Invitae), Labcorp
Classification: Uncertain significance for Jeune thoracic dystrophy; Nephronophthisis. Last evaluated: 2021-10-21. Review status: criteria provided, single submitter. Criteria: Invitae Variant Classification Sherloc (09022015). Collection method: clinical testing. Allele origin: germline.
Comment: This sequence change replaces histidine, which is basic and polar, with asparagine, which is neutral and polar, at codon 401 of the TTC21B protein (p.His401Asn). The frequency data for this variant in the population databases is considered unreliable, as metrics indicate poor data quality at this position in the gnomAD database. This variant has not been reported in the literature in individuals affected with TTC21B-related conditions. Algorithms developed to predict the effect of missense changes on protein structure and function (SIFT, PolyPhen-2, Align-GVGD) all suggest that this variant is likely to be tolerated. In summary, the available evidence is currently insufficient to determine the role of this variant in disease. Therefore, it has been classified as a Variant of Uncertain Significance.